The following is an entry in ClinVar:

NM_000179.3(MSH6):c.3110_3111insA (p.Phe1037fs)

Gene: MSH6 (mutS homolog 6; plus strand). Cytogenetic location: 2p16.3.
Variant type: Insertion.
Coding change: c.3110_3111insA on transcript NM_000179.3 (MANE Select); coding-DNA positions 3110 to 3111, A inserted.
Protein change: p.Phe1037fs; shifts the reading frame from phenylalanine 1037.
Molecular consequence: frameshift variant. On other transcripts: non-coding transcript variant (5), intron variant (2).
Genome position: GRCh38 VCF-style: chr2-47801093-T-TA. GRCh37 (hg19) VCF-style: chr2-48028232-T-TA.
Other names: c.2720_2721insA, p.Phe907fs (NM_001281492.2); c.2204_2205insA, p.Phe735fs (NM_001281493.2, NM_001281494.2, NM_001406811.1 and 6 more transcripts); c.3206_3207insA, p.Phe1069fs (NM_001406795.1, NM_001406802.1); c.3110_3111insA, p.Phe1037fs (NM_001406796.1, NM_001406798.1, NM_001406800.1 and 2 more transcripts); c.2813_2814insA, p.Phe938fs (NM_001406797.1, NM_001406801.1, NM_001406805.1 and 10 more transcripts); c.2585_2586insA, p.Phe862fs (NM_001406799.1, NM_001406806.1, NM_001406807.1); c.3032_3033insA, p.Phe1011fs (NM_001406804.1); c.3116_3117insA, p.Phe1039fs (NM_001406813.1); and 4 more; short protein forms F1011fs, F1037fs, F1039fs, F1069fs, F352fs, F735fs, F862fs, F907fs.
Identifiers: ClinVar variation 2673795 (VCV002673795.2), dbSNP rs2530714296, ClinGen allele CA2695200626.
Genomic context (GRCh38, chr2:47,801,093, plus strand): 5'-ATCTCATAAATGCTGAAGAACGGAGGGATGTATCATTGAAGGACTGCATGCGGCGACTGT[T>TA]CTATAACTTTGATAAAAATTACAAGGACTGGCAGTCTGCTGTAGAGTGTATCGCAGTGTT-3'

ClinVar aggregate classification (germline): Pathogenic. Review status: criteria provided, multiple submitters, no conflicts (2 of 4 stars). 2 submissions from 2 submitters: Pathogenic (2). Last evaluated 2025-07-23.

Conditions:
Hereditary cancer-predisposing syndrome. Also called: Tumor predisposition; Hereditary neoplastic syndrome; Neoplastic Syndromes, Hereditary; Hereditary Cancer Syndrome. Identifiers: Orphanet 140162, MedGen C0027672, MeSH D009386, MONDO:0015356.
Lynch syndrome 5 (LYNCH5). Also called: Colorectal cancer, hereditary nonpolyposis, type 5; Hereditary non-polyposis colorectal cancer, type 5. Identifiers: Orphanet 144, MedGen C1833477, MONDO:0013710, OMIM 614350. Disease mechanism: loss of function.

Submissions (2):

Ambry Genetics
Classification: Pathogenic for Hereditary cancer-predisposing syndrome. Last evaluated: 2025-07-23. Review status: criteria provided, single submitter. Criteria: Ambry Variant Classification Scheme 2023. Collection method: clinical testing. Allele origin: germline.
Comment: The c.3110_3111insA pathogenic mutation, located in coding exon 4 of the MSH6 gene, results from an insertion of one nucleotide at position 3110, causing a translational frameshift with a predicted alternate stop codon (p.F1037Lfs*3). This variant is considered to be rare based on population cohorts in the Genome Aggregation Database (gnomAD). This alteration is expected to result in loss of function by premature protein truncation or nonsense-mediated mRNA decay. As such, this alteration is interpreted as a disease-causing mutation.

Myriad Genetics, Inc.
Classification: Pathogenic for Lynch syndrome 5. Last evaluated: 2023-08-22. Review status: criteria provided, single submitter. Criteria: Myriad Autosomal Dominant, Autosomal Recessive and X-Linked Classification Criteria (2023). Collection method: clinical testing. Allele origin: unknown.
Comment: This variant is considered pathogenic. This variant creates a frameshift predicted to result in premature protein truncation.